The following is an entry in ClinVar:

ClinVar aggregate classification (germline): Benign. Review status: criteria provided, multiple submitters, no conflicts (2 of 4 stars). 5 submissions from 5 submitters: Benign (3). 2 of the submissions do not count toward it. Last evaluated 2026-01-31.

Conditions:
Mucopolysaccharidosis, MPS-III-C (MPS3C). Also called: MUCOPOLYSACCHARIDOSIS, TYPE IIIC; mucopolysaccharidosis type 3C; SANFILIPPO SYNDROME C; MPS IIIC (Sanfilippo Syndrome Type C); MPS III C; Mucopolysaccharidosis type IIIC (Sanfilippo C). Identifiers: Orphanet 581, Orphanet 79271, MedGen C0086649, MONDO:0009657, OMIM 252930.
Retinitis pigmentosa 73 (RP73). Identifiers: Orphanet 791, MedGen C4225287, MONDO:0014687, OMIM 616544.

Allele frequency attached by ClinVar (database versions not stated): gnomAD exomes 0.00255; ExAC 0.00624; 1000 Genomes Project 0.00938; 1000 Genomes Project 30x 0.00999; gnomAD 0.01065 and 0.01160; ESP Exome Variant Server 0.01280; TOPMed 0.01282.
gnomAD v4.1: 3,032 of 1,566,972 alleles (0.19%); highest among the groups gnomAD compares: African/African-American, 3.6%; 55 homozygotes.

Submissions (10):

Labcorp Genetics (formerly Invitae), Labcorp
Classification: Benign for Retinitis pigmentosa 73; Mucopolysaccharidosis, MPS-III-C. Last evaluated: 2026-01-31. Review status: criteria provided, single submitter. Criteria: Invitae Variant Classification Sherloc (09022015). Collection method: clinical testing. Allele origin: germline.

Illumina Laboratory Services, Illumina
Classification: Benign for Mucopolysaccharidosis, MPS-III-C. Last evaluated: 2018-01-13. Review status: criteria provided, single submitter. Criteria: ICSL Variant Classification Criteria 13 December 2019. Collection method: clinical testing. Allele origin: germline.
Comment: This variant was observed in the ICSL laboratory as part of a predisposition screen in an ostensibly healthy population. It had not been previously curated by ICSL or reported in the Human Gene Mutation Database (HGMD: prior to June 1st, 2018), and was therefore a candidate for classification through an automated scoring system. Utilizing variant allele frequency, disease prevalence and penetrance estimates, and inheritance mode, an automated score was calculated to assess if this variant is too frequent to cause the disease. Based on the score and internal cut-off values, a variant classified as benign is not then subjected to further curation. The score for this variant resulted in a classification of benign for this disease.

Eurofins Ntd Llc (ga)
Classification: Benign. Last evaluated: 2017-02-01. Review status: criteria provided, single submitter. Criteria: EGL Classification Definitions 2015. Collection method: clinical testing. Allele origin: germline. Observed: 1 variant allele, 1 heterozygote.

Natera, Inc.
Classification: Benign for Mucopolysaccharidosis type IIIC. Last evaluated: 2020-09-16. Review status: no assertion criteria provided. Collection method: clinical testing. Allele origin: germline. Not counted in ClinVar's aggregate classification.

Mayo Clinic Laboratories, Mayo Clinic
Classification: Benign. Last evaluated: 2017-09-27. Review status: no assertion criteria provided. Collection method: clinical testing. Allele origin: unknown. Not counted in ClinVar's aggregate classification.

Dr. Peter K. Rogan Lab, Western University
No classification provided (evidence only). Condition: Lung cancer. Review status: no classification provided. Collection method: in vitro. Allele origin: not applicable. Functional consequence: retained intron. Not counted in ClinVar's aggregate classification.

Dr. Peter K. Rogan Lab, Western University
No classification provided (evidence only). Condition: Lung cancer. Review status: no classification provided. Collection method: in vitro. Allele origin: not applicable. Functional consequence: retained intron. Not counted in ClinVar's aggregate classification.

Dr. Peter K. Rogan Lab, Western University
No classification provided (evidence only). Condition: Acute myeloid leukemia. Review status: no classification provided. Collection method: in vitro. Allele origin: not applicable. Functional consequence: retained intron. Not counted in ClinVar's aggregate classification.

Dr. Peter K. Rogan Lab, Western University
No classification provided (evidence only). Condition: Sarcoma. Review status: no classification provided. Collection method: in vitro. Allele origin: not applicable. Functional consequence: retained intron. Not counted in ClinVar's aggregate classification.

Dr. Peter K. Rogan Lab, Western University
No classification provided (evidence only). Condition: Malignant tumor of esophagus. Review status: no classification provided. Collection method: in vitro. Allele origin: not applicable. Functional consequence: retained intron. Not counted in ClinVar's aggregate classification.

NM_152419.3(HGSNAT):c.1727-9C>G

Gene: HGSNAT (heparan-alpha-glucosaminide N-acetyltransferase; plus strand). Cytogenetic location: 8p11.21.
Variant type: single nucleotide variant.
Coding change: c.1727-9C>G on transcript NM_152419.3 (MANE Select); 9 bases into the intron before coding-DNA position 1727, C replaced by G.
Molecular consequence: intron variant.
Genome position (GRCh38, 1-based): chr8:43,199,379, C>G. VCF-style: chr8-43199379-C-G. GRCh37 (hg19) VCF-style: chr8-43054522-C-G.
Other names: c.1814-9C>G (NM_001363227.2); c.863-9C>G (NM_001363229.2); c.1535-9C>G (NM_001363228.2).
Identifiers: ClinVar variation 496837 (VCV000496837.22), dbSNP rs76750342, ClinGen allele CA4737016.